The following is an entry in ClinVar:

ClinVar aggregate classification (germline): Uncertain significance (1 of 4 stars; one submission).

Conditions:
GPI-related disorder. Also called: GPI-related condition.

Allele frequency attached by ClinVar (database versions not stated): gnomAD exomes below 0.00001.
gnomAD v4.1: 10 of 1,613,434 alleles (0.00062%); highest among the groups gnomAD compares: South Asian, 0.0055%; no homozygotes.

Submission:

PreventionGenetics, part of Exact Sciences
Classification: Uncertain significance for GPI-related condition. Last evaluated: 2023-03-14. Review status: criteria provided, single submitter. Criteria: ACMG Guidelines, 2015. Collection method: clinical testing. Allele origin: germline.
Comment: The GPI c.705T>A variant is predicted to result in the amino acid substitution p.Asp235Glu. To our knowledge, this variant has not been reported in the literature. This variant is reported in 0.0033% of alleles in individuals of South Asian descent in gnomAD. At this time, the clinical significance of this variant is uncertain due to the absence of conclusive functional and genetic evidence.

NM_000175.5(GPI):c.705T>A (p.Asp235Glu)

Gene: GPI (glucose-6-phosphate isomerase; plus strand). Cytogenetic location: 19q13.11.
Variant type: single nucleotide variant.
Coding change: c.705T>A on transcript NM_000175.5 (MANE Select); coding-DNA position 705, T replaced by A.
Protein change: p.Asp235Glu; replaces aspartic acid 235 with glutamic acid.
Molecular consequence: missense variant.
Genome position (GRCh38, 1-based): chr19:34,379,005, T>A. VCF-style: chr19-34379005-T-A. GRCh37 (hg19) VCF-style: chr19-34869910-T-A.
Other names: c.738T>A, p.Asp246Glu (NM_001184722.1); c.822T>A, p.Asp274Glu (NM_001289789.1); c.621T>A, p.Asp207Glu (NM_001289790.3); c.705T>A, p.Asp235Glu (NM_001329909.1, NM_001329910.1, NM_001329911.2); short protein forms D207E, D235E, D246E, D274E.
Identifiers: ClinVar variation 2635213 (VCV002635213.1), dbSNP rs1445600080, ClinGen allele CA405251534.